The following is an entry in ClinVar:

ClinVar aggregate classification (germline): Uncertain significance. Review status: criteria provided, multiple submitters, no conflicts (2 of 4 stars). 2 submissions from 2 submitters: Uncertain significance (2). Last evaluated 2024-04-22.

Conditions:
Progressive microcephaly-seizures-cortical blindness-developmental delay syndrome. Also called: Seizures, cortical blindness, and microcephaly syndrome. Identifiers: Orphanet 477814, MedGen C5567650, MONDO:0014714, OMIM 616632.
Autosomal dominant nonsyndromic hearing loss 1. Also called: KONIGSMARK SYNDROME; DEAFNESS, AUTOSOMAL DOMINANT 1, WITH OR WITHOUT THROMBOCYTOPENIA. Identifiers: Orphanet 90635, MedGen C1852282, MONDO:0007424, OMIM 124900.
Inborn genetic diseases. Identifiers: MedGen C0950123, MeSH D030342.

Allele frequency attached by ClinVar (database versions not stated): ExAC 0.00001; gnomAD 0.00001 and 0.00002; gnomAD exomes 0.00001; TOPMed 0.00002.
gnomAD v4.1: 12 of 1,614,142 alleles (0.00074%); highest among the groups gnomAD compares: East Asian, 0.011%; no homozygotes.

Submissions (2):

Labcorp Genetics (formerly Invitae), Labcorp
Classification: Uncertain significance for Progressive microcephaly-seizures-cortical blindness-developmental delay syndrome; Autosomal dominant nonsyndromic hearing loss 1. Last evaluated: 2024-04-22. Review status: criteria provided, single submitter. Criteria: Invitae Variant Classification Sherloc (09022015). Collection method: clinical testing. Allele origin: germline.
Comment: This sequence change replaces glutamic acid, which is acidic and polar, with lysine, which is basic and polar, at codon 1120 of the DIAPH1 protein (p.Glu1120Lys). This variant is present in population databases (rs756003432, gnomAD 0.006%). This variant has not been reported in the literature in individuals affected with DIAPH1-related conditions. ClinVar contains an entry for this variant (Variation ID: 475706). An algorithm developed to predict the effect of missense changes on protein structure and function (PolyPhen-2) suggests that this variant is likely to be tolerated. In summary, the available evidence is currently insufficient to determine the role of this variant in disease. Therefore, it has been classified as a Variant of Uncertain Significance.

Ambry Genetics
Classification: Uncertain significance for Inborn genetic diseases. Last evaluated: 2021-07-20. Review status: criteria provided, single submitter. Criteria: Ambry Variant Classification Scheme 2023. Collection method: clinical testing. Allele origin: germline.

NM_005219.5(DIAPH1):c.3358G>A (p.Glu1120Lys)

Gene: DIAPH1 (diaphanous related formin 1; minus strand). Cytogenetic location: 5q31.3.
Variant type: single nucleotide variant.
Coding change: c.3358G>A on transcript NM_005219.5 (MANE Select); coding-DNA position 3358, G replaced by A.
Protein change: p.Glu1120Lys; replaces glutamic acid 1120 with lysine.
Molecular consequence: missense variant.
Genome position (GRCh38, 1-based): chr5:141,526,377, C>T on the plus strand (G>A on the coding strand, the complement: DIAPH1 is on the minus strand). VCF-style: chr5-141526377-C-T. GRCh37 (hg19) VCF-style: chr5-140905944-C-T.
Other names: c.3331G>A, p.Glu1111Lys (NM_001079812.3); c.3358G>A, p.Glu1120Lys (NM_001314007.2); short protein forms E1111K, E1120K.
Identifiers: ClinVar variation 475706 (VCV000475706.12), dbSNP rs756003432, ClinGen allele CA3478800.